The following is an entry in ClinVar:

NM_002958.4(RYK):c.147C>T (p.Ala49=)

Gene: RYK (receptor like tyrosine kinase; minus strand). Cytogenetic location: 3q22.2.
Variant type: single nucleotide variant.
Coding change: c.147C>T on transcript NM_002958.4 (MANE Select); coding-DNA position 147, C replaced by T.
Protein change: p.Ala49=; no amino-acid change (alanine 49 retained).
Molecular consequence: synonymous variant.
Genome position (GRCh38, 1-based): chr3:134,250,508, G>A on the plus strand (C>T on the coding strand, the complement: RYK is on the minus strand). VCF-style: chr3-134250508-G-A. GRCh37 (hg19) VCF-style: chr3-133969352-G-A.
Other names: c.147C>T, p.Ala49= (NM_001005861.3).
Identifiers: ClinVar variation 3048012 (VCV003048012.1), dbSNP rs139860270, ClinGen allele CA2627369.

ClinVar aggregate classification (germline): Benign (1 of 4 stars; one submission).

Conditions:
RYK-related disorder. Also called: RYK-related condition.

Allele frequency attached by ClinVar (database versions not stated): TOPMed 0.14709; 1000 Genomes Project 30x 0.20800; 1000 Genomes Project 0.21246; ExAC 0.24889.
gnomAD v4.1: 168,193 of 1,246,878 alleles (13%); highest among the groups gnomAD compares: East Asian, 51%; 14,085 homozygotes.

Submission:

PreventionGenetics, part of Exact Sciences
Classification: Benign for RYK-related condition. Last evaluated: 2021-02-11. Review status: criteria provided, single submitter. Criteria: ACMG Guidelines, 2015. Collection method: clinical testing. Allele origin: germline.
Comment: This variant is classified as benign based on ACMG/AMP sequence variant interpretation guidelines (Richards et al. 2015 PMID: 25741868, with internal and published modifications).